The following is an entry in ClinVar:

NM_001367721.1(CASK):c.536G>A (p.Arg179His)

Gene: CASK (calcium/calmodulin dependent serine protein kinase; minus strand). Cytogenetic location: Xp11.4.
Variant type: single nucleotide variant.
Coding change: c.536G>A on transcript NM_001367721.1 (MANE Select); coding-DNA position 536, G replaced by A.
Protein change: p.Arg179His; replaces arginine 179 with histidine.
Molecular consequence: missense variant.
Genome position (GRCh38, 1-based): chrX:41,665,449, C>T on the plus strand (G>A on the coding strand, the complement: CASK is on the minus strand). VCF-style: chrX-41665449-C-T. GRCh37 (hg19) VCF-style: chrX-41524702-C-T.
Other names: c.536G>A, p.Arg179His (NM_001126054.3, NM_001126055.3, NM_001410745.1 and 1 more transcripts); short protein forms R179H.
Identifiers: ClinVar variation 2803106 (VCV002803106.4), dbSNP rs1336701127, ClinGen allele CA412998534.

ClinVar aggregate classification (germline): Uncertain significance. Review status: criteria provided, multiple submitters, no conflicts (2 of 4 stars). 2 submissions from 2 submitters: Uncertain significance (2). Last evaluated 2024-12-16.

Conditions:
Syndromic X-linked intellectual disability Najm type (MICPCH). Also called: Mental retardation and microcephaly with pontine and cerebellar hypoplasia; MENTAL RETARDATION, X-LINKED, SYNDROMIC, NAJM TYPE; Intellectual Disability and Microcephaly with Pontine and Cerebellar Hypoplasia (MICPCH); Intellectual Disability and Microcephaly with Pontine and Cerebellar Hypoplasia; MICPCH SYNDROME; Intellectual developmental disorder and microcephaly with pontine and cerebellar hypoplasia. Identifiers: Orphanet 163937, MedGen C2677903, MONDO:0010417, OMIM 300749.
FG syndrome 4 (FGS4). Identifiers: MedGen C1845546, MONDO:0010318, OMIM 300422.
Intellectual disability, CASK-related, X-linked. Identifiers: MedGen CN043158.

Submissions (2):

Labcorp Genetics (formerly Invitae), Labcorp
Classification: Uncertain significance for Intellectual disability, CASK-related, X-linked. Last evaluated: 2024-12-16. Review status: criteria provided, single submitter. Criteria: Invitae Variant Classification Sherloc (09022015). Collection method: clinical testing. Allele origin: germline.
Comment: This sequence change replaces arginine, which is basic and polar, with histidine, which is basic and polar, at codon 179 of the CASK protein (p.Arg179His). This variant is not present in population databases (gnomAD no frequency). This variant has not been reported in the literature in individuals affected with CASK-related conditions. ClinVar contains an entry for this variant (Variation ID: 2803106). Invitae Evidence Modeling of protein sequence and biophysical properties (such as structural, functional, and spatial information, amino acid conservation, physicochemical variation, residue mobility, and thermodynamic stability) indicates that this missense variant is not expected to disrupt CASK protein function with a negative predictive value of 80%. In summary, the available evidence is currently insufficient to determine the role of this variant in disease. Therefore, it has been classified as a Variant of Uncertain Significance.

Laboratoire Génétique Moléculaire, CHRU TOURS
Classification: Uncertain significance for Syndromic X-linked intellectual disability Najm type; FG syndrome 4. Last evaluated: 2022-10-06. Review status: criteria provided, single submitter. Criteria: ACMG Guidelines, 2015. Collection method: clinical testing. Allele origin: maternal.
Comment: PM2;PP1;PP2;PP3